The following is an entry in ClinVar:

ClinVar aggregate classification (germline): Likely benign (1 of 4 stars; one submission).

Allele frequency attached by ClinVar (database versions not stated): ExAC 0.00280; 1000 Genomes Project 0.00339; 1000 Genomes Project 30x 0.00375; TOPMed 0.00542; gnomAD 0.00601; gnomAD exomes 0.01017.
gnomAD v4.1: 12,033 of 1,259,240 alleles (0.96%); highest among the groups gnomAD compares: Non-Finnish European, 1.1%; 62 homozygotes.

Submission:

CeGaT Center for Human Genetics Tuebingen
Classification: Likely benign. Last evaluated: 2023-04-01. Review status: criteria provided, single submitter. Criteria: CeGaT Center For Human Genetics Tuebingen Variant Classification Criteria Version 2. Collection method: clinical testing. Allele origin: germline. Affected: yes. Observed: 1 variant allele.
Comment: DCDC2C: BS2

NM_001287444.2(DCDC2C):c.62A>G (p.Tyr21Cys)

Gene: DCDC2C (doublecortin domain containing 2C; plus strand). Cytogenetic location: 2p25.3.
Variant type: single nucleotide variant.
Coding change: c.62A>G on transcript NM_001287444.2 (MANE Select); coding-DNA position 62, A replaced by G.
Protein change: p.Tyr21Cys; replaces tyrosine 21 with cysteine.
Molecular consequence: missense variant.
Genome position (GRCh38, 1-based): chr2:3,703,813, A>G. VCF-style: chr2-3703813-A-G. GRCh37 (hg19) VCF-style: chr2-3751403-A-G.
Other names: short protein forms Y21C.
Identifiers: ClinVar variation 2650638 (VCV002650638.24), dbSNP rs142564019, ClinGen allele CA1517650.
Genomic context (GRCh38, chr2:3,703,813, plus strand): 5'-TGGGAACCCGCGGGCCCTCCGCGCCGGTGGACACCACGCCCGCCAAGACCATCGTGGTGT[A>G]CCGCAACGGGGACCCGTTCTACGTGGGCAAGAAGTTCGTGCTGTCGCGGCGCCGCGCGGC-3'
Protein context (NP_001274373.1, residues 11-31): DTTPAKTIVV[Tyr21Cys]RNGDPFYVGK